The following is an entry in ClinVar:

ClinVar aggregate classification (germline): Uncertain significance (1 of 4 stars; one submission).

Submission:

GeneDx
Classification: Uncertain significance. Last evaluated: 2025-03-20. Review status: criteria provided, single submitter. Criteria: GeneDx Variant Classification Process June 2021. Collection method: clinical testing. Allele origin: germline. Affected: yes.
Comment: Not observed at significant frequency in large population cohorts (gnomAD); In-frame duplication of 10 amino acid(s) in a non-repeat region; Has not been previously published as pathogenic or benign to our knowledge

NM_021008.4(DEAF1):c.56_85dup (p.Ala28_Ala29insValAlaAlaAlaAlaAlaValAlaAlaAla)

Gene: DEAF1 (DEAF1 transcription factor; minus strand). Cytogenetic location: 11p15.5.
Variant type: Duplication.
Coding change: c.56_85dup on transcript NM_021008.4 (MANE Select); coding-DNA positions 56 to 85, 30 bases duplicated (TGGCGGCCGCGGCCGCTGTGGCGGCGGCGG).
Protein change: p.Ala28_Ala29insValAlaAlaAlaAlaAlaValAlaAlaAla.
Molecular consequence: 5 prime UTR variant (on NM_001440885.1). On other transcripts: intron variant (1).
Genome position (GRCh38, 1-based): chr11:694,963-694,992, CCGCCGCCGCCACAGCGGCCGCGGCCGCCA duplicated on the plus strand (TGGCGGCCGCGGCCGCTGTGGCGGCGGCGG on the coding strand, the reverse complement: DEAF1 is on the minus strand); duplicating any 30 consecutive bases within chr11:694,963-695,003 gives the same sequence; the c. name uses the placement nearest the transcript's 3' end. VCF-style (leftmost placement, unchanged base first): chr11-694962-G-GCCGCCGCCGCCACAGCGGCCGCGGCCGCCA. GRCh37 (hg19) VCF-style: chr11-694962-G-GCCGCCGCCGCCACAGCGGCCGCGGCCGCCA.
Other names: c.56_85dup, p.Ala28_Ala29insValAlaAlaAlaAlaAlaValAlaAlaAla (NM_001293634.2, NM_001440883.1, NM_001440884.1); c.-541_-512dup (NM_001440885.1); c.-1941_-1912dup (NM_001440886.1); c.-751_-722dup (NM_001440887.1); c.-437-3394_-437-3365dup (NM_001367390.1).
Identifiers: ClinVar variation 4088177 (VCV004088177.1).